The following is an entry in ClinVar:

NM_016122.3(CEP83):c.256C>T (p.Leu86Phe)

Gene: CEP83 (centrosomal protein 83; minus strand). Cytogenetic location: 12q22.
Variant type: single nucleotide variant.
Coding change: c.256C>T on transcript NM_016122.3 (MANE Select); coding-DNA position 256, C replaced by T.
Protein change: p.Leu86Phe; replaces leucine 86 with phenylalanine.
Molecular consequence: missense variant. On other transcripts: 5 prime UTR variant (6), non-coding transcript variant (3).
Genome position (GRCh38, 1-based): chr12:94,411,765, G>A on the plus strand (C>T on the coding strand, the complement: CEP83 is on the minus strand). VCF-style: chr12-94411765-G-A. GRCh37 (hg19) VCF-style: chr12-94805541-G-A.
Other names: c.256C>T, p.Leu86Phe (NM_001042399.2, NM_001346457.2, NM_001346460.2 and 4 more transcripts); c.-57C>T (NM_001346458.2, NM_001346459.2, NM_001346462.2 and 3 more transcripts); c.256C>T (NM_016122.2); short protein forms L86F.
Identifiers: ClinVar variation 1054525 (VCV001054525.10), dbSNP rs764215872, ClinGen allele CA6722001.

ClinVar aggregate classification (germline): Uncertain significance. Review status: criteria provided, multiple submitters, no conflicts (2 of 4 stars). 2 submissions from 2 submitters: Uncertain significance (2). Last evaluated 2023-12-16.

Conditions:
Inborn genetic diseases. Identifiers: MedGen C0950123, MeSH D030342.
Nephronophthisis 18 (NPHP18). Identifiers: Orphanet 655, MedGen C3890591, MONDO:0014374, OMIM 615862.

Allele frequency attached by ClinVar (database versions not stated): gnomAD exomes below 0.00001; ExAC 0.00001; TOPMed 0.00001.

Submissions (2):

Ambry Genetics
Classification: Uncertain significance for Inborn genetic diseases. Last evaluated: 2023-12-16. Review status: criteria provided, single submitter. Criteria: Ambry Variant Classification Scheme 2023. Collection method: clinical testing. Allele origin: germline.

Labcorp Genetics (formerly Invitae), Labcorp
Classification: Uncertain significance for Nephronophthisis 18. Last evaluated: 2023-11-27. Review status: criteria provided, single submitter. Criteria: Invitae Variant Classification Sherloc (09022015). Collection method: clinical testing. Allele origin: germline.
Comment: This sequence change replaces leucine, which is neutral and non-polar, with phenylalanine, which is neutral and non-polar, at codon 86 of the CEP83 protein (p.Leu86Phe). This variant is present in population databases (rs764215872, gnomAD 0.006%). This variant has not been reported in the literature in individuals affected with CEP83-related conditions. ClinVar contains an entry for this variant (Variation ID: 1054525). Advanced modeling of protein sequence and biophysical properties (such as structural, functional, and spatial information, amino acid conservation, physicochemical variation, residue mobility, and thermodynamic stability) performed at Invitae indicates that this missense variant is not expected to disrupt CEP83 protein function with a negative predictive value of 80%. In summary, the available evidence is currently insufficient to determine the role of this variant in disease. Therefore, it has been classified as a Variant of Uncertain Significance.